The following is an entry in ClinVar:

NM_001080432.3(FTO):c.*1380G>T

Gene: FTO (FTO alpha-ketoglutarate dependent dioxygenase; plus strand). Cytogenetic location: 16q12.2.
Variant type: single nucleotide variant.
Coding change: c.*1380G>T on transcript NM_001080432.3 (MANE Select); 1380 bases downstream of the stop codon, G replaced by T.
Molecular consequence: 3 prime UTR variant.
Genome position (GRCh38, 1-based): chr16:54,113,295, G>T. VCF-style: chr16-54113295-G-T. GRCh37 (hg19) VCF-style: chr16-54147207-G-T.
Other names: NC_000016.9:g.54147207G>T; c.*1380G>T (NM_001363891.2, NM_001363894.2, NM_001363896.2 and 6 more transcripts); c.*1498G>T (NM_001363903.2); c.*1556G>T (NM_001363988.2).
Identifiers: ClinVar variation 886909 (VCV000886909.5), dbSNP rs113575052, ClinGen allele CA281991317.

ClinVar aggregate classification (germline): Benign (1 of 4 stars; one submission).

Conditions:
Lethal polymalformative syndrome, Boissel type. Also called: GROWTH RETARDATION, DEVELOPMENTAL DELAY, AND FACIAL DYSMORPHISM. Identifiers: Orphanet 210144, MedGen C2752001, MONDO:0013050, OMIM 612938.

Allele frequency attached by ClinVar (database versions not stated): TOPMed 0.01432; 1000 Genomes Project 0.01438.

Submissions (2):

Illumina Laboratory Services, Illumina
Classification: Benign for Lethal polymalformative syndrome, Boissel type. Last evaluated: 2018-01-12. Review status: criteria provided, single submitter. Criteria: ICSL Variant Classification Criteria 13 December 2019. Collection method: clinical testing. Allele origin: germline.
Comment: This variant was observed in the ICSL laboratory as part of a predisposition screen in an ostensibly healthy population. It had not been previously curated by ICSL or reported in the Human Gene Mutation Database (HGMD: prior to June 1st, 2018), and was therefore a candidate for classification through an automated scoring system. Utilizing variant allele frequency, disease prevalence and penetrance estimates, and inheritance mode, an automated score was calculated to assess if this variant is too frequent to cause the disease. Based on the score and internal cut-off values, a variant classified as benign is not then subjected to further curation. The score for this variant resulted in a classification of benign for this disease.

Dr. Peter K. Rogan Lab, Western University
No classification provided (evidence only). Condition: Acute myeloid leukemia. Review status: no classification provided. Collection method: in vitro. Allele origin: not applicable. Functional consequence: retained intron. Not counted in ClinVar's aggregate classification.